The following is an entry in ClinVar:

ClinVar aggregate classification (germline): Uncertain significance. Review status: criteria provided, multiple submitters, no conflicts (2 of 4 stars). 2 submissions from 2 submitters: Uncertain significance (2). Last evaluated 2025-12-19.

Conditions:
Lymphatic malformation 3 (LMPHM3). Identifiers: Orphanet 79452, MedGen C4747646, MONDO:0013278, OMIM 613480.

gnomAD v4.1: 1 of 1,612,734 alleles (0.000062%); highest among the groups gnomAD compares: East Asian, 0.0022%; no homozygotes.

Submissions (2):

GeneDx
Classification: Uncertain significance. Last evaluated: 2025-12-19. Review status: criteria provided, single submitter. Criteria: GeneDx Variant Classification Process June 2021. Collection method: clinical testing. Allele origin: germline.
Comment: Not observed at significant frequency in large population cohorts (gnomAD); In silico analysis supports that this missense variant has a deleterious effect on protein structure/function; Has not been previously published as pathogenic or benign to our knowledge

Kasturba Medical College, Manipal, Kasturba Medical College, Manipal, Manipal Academy of Higher Education, Manipal, India
Classification: Uncertain significance for Lymphatic malformation 3. Review status: criteria provided, single submitter. Criteria: ACMG Guidelines, 2015. Collection method: clinical testing. Allele origin: germline. Affected: yes.

NM_020435.4(GJC2):c.148G>A (p.Glu50Lys)

Gene: GJC2 (gap junction protein gamma 2; plus strand). Cytogenetic location: 1q42.13.
Variant type: single nucleotide variant.
Coding change: c.148G>A on transcript NM_020435.4 (MANE Select); coding-DNA position 148, G replaced by A.
Protein change: p.Glu50Lys; replaces glutamic acid 50 with lysine.
Molecular consequence: missense variant.
Genome position (GRCh38, 1-based): chr1:228,157,906, G>A. VCF-style: chr1-228157906-G-A. GRCh37 (hg19) VCF-style: chr1-228345607-G-A.
Other names: c.148G>A (NM_020435.3); short protein forms E50K.
Identifiers: ClinVar variation 1697235 (VCV001697235.5), dbSNP rs1255327063, ClinGen allele CA345096997.